The following is an entry in ClinVar:

NM_003560.4(PLA2G6):c.1778C>A (p.Pro593Gln)

Gene: PLA2G6 (phospholipase A2 group VI; minus strand). Cytogenetic location: 22q13.1.
Variant type: single nucleotide variant.
Coding change: c.1778C>A on transcript NM_003560.4 (MANE Select); coding-DNA position 1778, C replaced by A.
Protein change: p.Pro593Gln; replaces proline 593 with glutamine.
Molecular consequence: missense variant.
Genome position (GRCh38, 1-based): chr22:38,116,176, G>T on the plus strand (C>A on the coding strand, the complement: PLA2G6 is on the minus strand). VCF-style: chr22-38116176-G-T. GRCh37 (hg19) VCF-style: chr22-38512183-G-T.
Other names: c.1616C>A, p.Pro539Gln (NM_001004426.3, NM_001199562.3, NM_001349865.2 and 1 more transcripts); c.1778C>A, p.Pro593Gln (NM_001349864.2); c.1244C>A, p.Pro415Gln (NM_001349867.2); c.1100C>A, p.Pro367Gln (NM_001349868.2); c.1082C>A, p.Pro361Gln (NM_001349869.2); short protein forms P361Q, P367Q, P415Q, P539Q, P593Q.
Identifiers: ClinVar variation 1335933 (VCV001335933.4), dbSNP rs1451486649, ClinGen allele CA411525728.

ClinVar aggregate classification (germline): Likely pathogenic (1 of 4 stars; one submission).

gnomAD v4.1: 1 of 1,613,782 alleles (0.000062%); highest among the groups gnomAD compares: African/African-American, 0.0013%; no homozygotes.

Submission:

Genetic Services Laboratory, University of Chicago
Classification: Likely pathogenic. Last evaluated: 2018-06-12. Review status: criteria provided, single submitter. Criteria: ACMG Guidelines, 2015. Collection method: clinical testing. Allele origin: germline. Affected: yes.
Comment: DNA sequence analysis of the PLA2G6 gene demonstrated a pathogenic and a likely pathogenic sequence change. The first sequence change in the PLA2G6 gene, c.1799G>A in exon 13, results in an amino acid change, p.Arg600Gln. This sequence change has been described in the EXAC database with a low population frequency of 0.003% (dbSNP rs149712244). This pathogenic sequence change has previously been described in the homozygous state in a patient with infantile onset neuroaxonal dystrophy with psychomotor regression (Paisan-Ruiz et al., 2012). A different pathogenic sequence change affecting the same amino acid residue (p.Arg600Trp) has been described in a patient with infantile neuroaxonal dystrophy (Illingsworth et al., 2014). The p.Arg600Gln change affects a highly conserved amino acid residue located in a domain of the PLA2G6 protein that is known to be functional. The p.Arg600Gln substitution appears to be deleterious using several in-silico pathogenicity prediction tools (SIFT, CADD, Align GVGD, REVEL). This sequence change is the likely cause of this phenotype, however functional studies have not been performed to prove this conclusively.